The following is an entry in ClinVar:

NM_000089.4(COL1A2):c.1253G>C (p.Gly418Ala)

Gene: COL1A2 (collagen type I alpha 2 chain; plus strand). Cytogenetic location: 7q21.3.
Variant type: single nucleotide variant.
Coding change: c.1253G>C on transcript NM_000089.4 (MANE Select); coding-DNA position 1253, G replaced by C.
Protein change: p.Gly418Ala; replaces glycine 418 with alanine.
Molecular consequence: missense variant.
Genome position (GRCh38, 1-based): chr7:94,411,057, G>C. VCF-style: chr7-94411057-G-C. GRCh37 (hg19) VCF-style: chr7-94040369-G-C.
Other names: short protein forms G418A.
Identifiers: ClinVar variation 3754712 (VCV003754712.3).

ClinVar aggregate classification (germline): Pathogenic/Likely pathogenic. Review status: criteria provided, multiple submitters, no conflicts (2 of 4 stars). 2 submissions from 2 submitters: Pathogenic (1); Likely pathogenic (1). Last evaluated 2026-03-31.

Conditions:
Ehlers-Danlos syndrome, classic type, 1 (EDSCL1). Also called: EHLERS-DANLOS SYNDROME, GRAVIS TYPE; EHLERS-DANLOS SYNDROME, SEVERE CLASSIC TYPE; Ehlers-Danlos syndrome, type 1; Ehlers-Danlos Syndrome, Classic Type, COL5A1-Related; EDS I. Identifiers: MedGen C0268335, MONDO:0019567, OMIM 130000.
Osteogenesis imperfecta type I (OI1). Also called: OI, TYPE I; OSTEOGENESIS IMPERFECTA TARDA; OSTEOGENESIS IMPERFECTA WITH BLUE SCLERAE; Osteogenesis imperfecta type 1; Lobstein's Disease; Lobstein disease. Identifiers: Orphanet 216796, Orphanet 666, MedGen C0023931, MONDO:0008146, OMIM 166200. Disease mechanism: loss of function.
Osteogenesis imperfecta with normal sclerae, dominant form (OI4). Also called: OSTEOGENESIS IMPERFECTA, TYPE IV, WITH DENTINOGENESIS IMPERFECTA; OSTEOGENESIS IMPERFECTA WITH NORMAL SCLERAE; Osteogenesis imperfecta type 4; Osteogenesis Imperfecta Type IV; Common Variable Osteogenesis Imperfecta with Normal Sclerae. Identifiers: Orphanet 216820, Orphanet 666, MedGen C0268363, MONDO:0008148, OMIM 166220.

Submissions (2):

Prenatal Diagnosis Center, The Second Hospital of Hebei Medical University
Classification: Likely pathogenic for Osteogenesis imperfecta with normal sclerae, dominant form. Last evaluated: 2026-03-31. Review status: criteria provided, single submitter. Criteria: ACMG Guidelines, 2015. Collection method: clinical testing, in vivo. Allele origin: maternal, not applicable. Inheritance: Autosomal dominant inheritance. Affected: yes. Observed: 3 variant alleles. Clinical features observed: Short fetal femur length (HP:0011428), Bent long bone (HP:0034530), Short stature (HP:0004322). Functional consequence: dominant negative variant.
Comment: This variant results in the substitution of glycine with alanine at the 418th amino acid position (p.Gly418Ala) and is located in highly conserved triple-helical region, which are essential for the structure and stability of fibrillar collagens(PMID: 7695699, 8218237, 19344236)(PM1). The variant is absent in gnomAD Exomes, and has not been reported in the literature of patients with COL1A2-related diseases(PM2_Supporting). Bioinformatics predictions using Provean, Polyphen2, Sift, Mutationtaster, and REVEL all suggested potential protein structural damage(PP3). A different amino acid change at the same locus (c.1252G>A, p.Gly418Ser) has been reported as a likely pathogenic variation (PMID: 35044492)(PM5_Supporting). Overexpression of the transcript in zebrafish could cause embryonic malformations, significantly shortened body length, and curvature of the body axis (our study)(PS3_Moderate). Therefore, this variant has been classified as Likely pathogenic (PS3_Moderate, PM1, PM2_Supporting, PM5_Supporting, PP3).

Labcorp Genetics (formerly Invitae), Labcorp
Classification: Pathogenic for Osteogenesis imperfecta type I; Ehlers-Danlos syndrome, classic type, 1. Last evaluated: 2024-02-16. Review status: criteria provided, single submitter. Criteria: Invitae Variant Classification Sherloc (09022015). Collection method: clinical testing. Allele origin: germline.
Comment: This sequence change replaces glycine, which is neutral and non-polar, with alanine, which is neutral and non-polar, at codon 418 of the COL1A2 protein (p.Gly418Ala). This variant is not present in population databases (gnomAD no frequency). This missense change has been observed in individual(s) with osteogenesis imperfecta (Invitae). An algorithm developed to predict the effect of missense changes on protein structure and function (PolyPhen-2) suggests that this variant is likely to be disruptive. This variant disrupts the triple helix domain of COL1A2. Glycine residues within the Gly-Xaa-Yaa repeats of the triple helix domain are required for the structure and stability of fibrillar collagens (PMID: 7695699, 8218237, 19344236). In COL1A2, variants affecting these glycine residues are significantly enriched in individuals with disease (PMID: 9016532, 17078022) compared to the general population (ExAC). For these reasons, this variant has been classified as Pathogenic.

Literature cited by the submitters: PubMed 7695699 (cited by Prenatal Diagnosis Center, The Second Hospital of Hebei Medical University and Labcorp Genetics (formerly Invitae), Labcorp); PubMed 8218237 (cited by Prenatal Diagnosis Center, The Second Hospital of Hebei Medical University and Labcorp Genetics (formerly Invitae), Labcorp); PubMed 19344236 (cited by Prenatal Diagnosis Center, The Second Hospital of Hebei Medical University and Labcorp Genetics (formerly Invitae), Labcorp); PubMed 35044492 (cited by Prenatal Diagnosis Center, The Second Hospital of Hebei Medical University); PubMed 9016532 (cited by Labcorp Genetics (formerly Invitae), Labcorp); PubMed 17078022 (cited by Labcorp Genetics (formerly Invitae), Labcorp).